The following is an entry in ClinVar:

NM_004519.4(KCNQ3):c.811A>C (p.Thr271Pro)

Gene: KCNQ3 (potassium voltage-gated channel subfamily Q member 3; minus strand). Cytogenetic location: 8q24.22.
Variant type: single nucleotide variant.
Coding change: c.811A>C on transcript NM_004519.4 (MANE Select); coding-DNA position 811, A replaced by C.
Protein change: p.Thr271Pro; replaces threonine 271 with proline.
Molecular consequence: missense variant.
Genome position (GRCh38, 1-based): chr8:132,175,575, T>G on the plus strand (A>C on the coding strand, the complement: KCNQ3 is on the minus strand). VCF-style: chr8-132175575-T-G. GRCh37 (hg19) VCF-style: chr8-133187822-T-G.
Other names: c.451A>C, p.Thr151Pro (NM_001204824.2); short protein forms T151P, T271P.
Identifiers: ClinVar variation 1720472 (VCV001720472.5), dbSNP rs2536944274, ClinGen allele CA372290560.

ClinVar aggregate classification (germline): Uncertain significance (1 of 4 stars; one submission).

Conditions:
Benign neonatal seizures. Also called: Convulsions benign familial neonatal dominant form; Autosomal dominant form of benign neonatal seizures; Benign neonatal familial convulsions; Benign familial neonatal epilepsy; Benign familial neonatal seizures. Identifiers: Orphanet 1949, MedGen C0220669, MONDO:0016027.

Submission:

Labcorp Genetics (formerly Invitae), Labcorp
Classification: Uncertain significance for Benign neonatal seizures. Last evaluated: 2022-09-27. Review status: criteria provided, single submitter. Criteria: Invitae Variant Classification Sherloc (09022015). Collection method: clinical testing. Allele origin: germline.
Comment: In summary, the available evidence is currently insufficient to determine the role of this variant in disease. Therefore, it has been classified as a Variant of Uncertain Significance. Algorithms developed to predict the effect of sequence changes on RNA splicing suggest that this variant may disrupt the consensus splice site. Advanced modeling of protein sequence and biophysical properties (such as structural, functional, and spatial information, amino acid conservation, physicochemical variation, residue mobility, and thermodynamic stability) performed at Invitae indicates that this missense variant is not expected to disrupt KCNQ3 protein function. This variant has not been reported in the literature in individuals affected with KCNQ3-related conditions. This variant is not present in population databases (gnomAD no frequency). This sequence change replaces threonine, which is neutral and polar, with proline, which is neutral and non-polar, at codon 271 of the KCNQ3 protein (p.Thr271Pro).